The following is an entry in ClinVar:

NM_015443.4(KANSL1):c.249_250del (p.Cys84fs)

Gene: KANSL1 (KAT8 regulatory NSL complex subunit 1). Cytogenetic location: 17q21.31.
Variant type: Microsatellite.
Coding change: c.249_250del on transcript NM_015443.4 (MANE Select); coding-DNA positions 249 to 250, 2 bases deleted.
Protein change: p.Cys84fs; shifts the reading frame from cysteine 84.
Molecular consequence: frameshift variant. On other transcripts: intron variant (4).
Genome position: GRCh38 VCF-style: chr17-46171893-CAG-C. GRCh37 (hg19) VCF-style: chr17-44249259-CAG-C.
Other names: c.249_250del, p.Cys84fs (NM_001193465.2, NM_001193466.2, NM_001379198.1 and 18 more transcripts); c.23+51776_23+51777del (NM_001405885.1, NM_001405884.1, NM_001405883.1 and 1 more transcripts); short protein forms C84fs.
Identifiers: ClinVar variation 3346990 (VCV003346990.2).

ClinVar aggregate classification (germline): Uncertain significance (1 of 4 stars; one submission).

Conditions:
KANSL1-related disorder. Also called: KANSL1-related condition.

Submission:

PreventionGenetics, part of Exact Sciences
Classification: Uncertain significance for KANSL1-related condition. Last evaluated: 2024-10-25. Review status: criteria provided, single submitter. Criteria: ACMG Guidelines, 2015. Collection method: clinical testing. Allele origin: germline.
Comment: The KANSL1 c.249_250delCT variant is predicted to result in a frameshift and premature protein termination (p.Cys84Leufs*2). To our knowledge, this variant has not been reported in the literature or in a large population database, indicating this variant is rare. Frameshift variants in KANSL1 are expected to be pathogenic; however, this variant is located in the first exon, and there is a potential alternate start codon between this variant and the other early termination changes that have been reported in affected individuals. At this time, the clinical significance of this variant is uncertain due to insufficient functional and genetic evidence.